The following is an entry in ClinVar:

NM_024298.5(MBOAT7):c.1A>G (p.Met1Val)

Gene: MBOAT7 (membrane bound acylglycerophosphatidylinositol O-acyltransferase MBOAT7; minus strand). Cytogenetic location: 19q13.42.
Variant type: single nucleotide variant.
Coding change: c.1A>G on transcript NM_024298.5 (MANE Select); coding-DNA position 1, A replaced by G.
Protein change: p.Met1Val; changes the start codon (methionine 1).
Molecular consequence: missense variant, initiator codon variant. On other transcripts: 5 prime UTR variant (1), intron variant (1).
Genome position (GRCh38, 1-based): chr19:54,188,508, T>C on the plus strand (A>G on the coding strand, the complement: MBOAT7 is on the minus strand). VCF-style: chr19-54188508-T-C. GRCh37 (hg19) VCF-style: chr19-54692362-T-C.
Other names: c.1A>G, p.Met1Val (NM_001146082.3); c.-92A>G (NM_001146083.3); c.-16-162A>G (NM_001146056.3); short protein forms M1V.
Identifiers: ClinVar variation 3233519 (VCV003233519.2), dbSNP rs2515314008, ClinGen allele CA407760175.

ClinVar aggregate classification (germline): Uncertain significance (1 of 4 stars; one submission).

Allele frequency attached by ClinVar (database versions not stated): gnomAD exomes below 0.00001.

Submission:

Women's Health and Genetics/Laboratory Corporation of America, LabCorp
Classification: Uncertain significance. Last evaluated: 2024-03-11. Review status: criteria provided, single submitter. Criteria: LabCorp Variant Classification Summary - May 2015. Collection method: clinical testing. Allele origin: germline.
Comment: Variant summary: MBOAT7 c.1A>G (p.Met1Val) alters the initiation codon and is predicted to result either in absence of the protein or truncation of the encoded protein due to translation initiation at a downstream codon. Three of four in-silico tools predict a damaging effect of the variant on protein function. The next downstream in-frame ATG start site in this transcript is at codon 130 (Exon 5). Another initiation codon variant has been reported in association with Intellectual disability in HGMD, but has not been reported as pathogenic by our lab or in ClinVar. The variant was absent in 157092 control chromosomes (gnomAD). The available data on variant occurrences in the general population are insufficient to allow any conclusion about variant significance. To our knowledge, no occurrence of c.1A>G in individuals affected with Mental Retardation, Autosomal Recessive 57 and no experimental evidence demonstrating its impact on protein function have been reported. No submitters have cited clinical-significance assessments for this variant to ClinVar. Based on the evidence outlined above, the variant was classified as uncertain significance.